The following is an entry in ClinVar:

NM_014014.5(SNRNP200):c.4835C>G (p.Thr1612Arg)

Gene: SNRNP200 (small nuclear ribonucleoprotein U5 subunit 200; minus strand). Cytogenetic location: 2q11.2.
Variant type: single nucleotide variant.
Coding change: c.4835C>G on transcript NM_014014.5 (MANE Select); coding-DNA position 4835, C replaced by G.
Protein change: p.Thr1612Arg; replaces threonine 1612 with arginine.
Molecular consequence: missense variant.
Genome position (GRCh38, 1-based): chr2:96,283,281, G>C on the plus strand (C>G on the coding strand, the complement: SNRNP200 is on the minus strand). VCF-style: chr2-96283281-G-C. GRCh37 (hg19) VCF-style: chr2-96949019-G-C.
Other names: short protein forms T1612R.
Identifiers: ClinVar variation 1444086 (VCV001444086.8), dbSNP rs1288236394, ClinGen allele CA347663387.

ClinVar aggregate classification (germline): Uncertain significance (1 of 4 stars; one submission).

Allele frequency attached by ClinVar (database versions not stated): TOPMed below 0.00001.

Submission:

Labcorp Genetics (formerly Invitae), Labcorp
Classification: Uncertain significance. Last evaluated: 2021-05-25. Review status: criteria provided, single submitter. Criteria: Invitae Variant Classification Sherloc (09022015). Collection method: clinical testing. Allele origin: germline.
Comment: This variant is not present in population databases (ExAC no frequency). In summary, the available evidence is currently insufficient to determine the role of this variant in disease. Therefore, it has been classified as a Variant of Uncertain Significance. Algorithms developed to predict the effect of missense changes on protein structure and function are either unavailable or do not agree on the potential impact of this missense change (SIFT: "Tolerated"; PolyPhen-2: "Probably Damaging"; Align-GVGD: "Class C0"). This variant has not been reported in the literature in individuals with SNRNP200-related conditions. This sequence change replaces threonine with arginine at codon 1612 of the SNRNP200 protein (p.Thr1612Arg). The threonine residue is moderately conserved and there is a moderate physicochemical difference between threonine and arginine.